The following is an entry in ClinVar:

NM_003701.4(TNFSF11):c.80A>G (p.Glu27Gly)

Genes: TNFSF11 (TNF superfamily member 11; plus strand), LOC130009662 (ATAC-STARR-seq lymphoblastoid silent region 5301; plus strand). Cytogenetic location: 13q14.11.
Variant type: single nucleotide variant.
Coding change: c.80A>G on transcript NM_003701.4 (MANE Select); coding-DNA position 80, A replaced by G.
Protein change: p.Glu27Gly; replaces glutamic acid 27 with glycine.
Molecular consequence: missense variant. On other transcripts: intron variant (1).
Genome position (GRCh38, 1-based): chr13:42,574,383, A>G. VCF-style: chr13-42574383-A-G. GRCh37 (hg19) VCF-style: chr13-43148519-A-G.
Other names: c.-1+2645A>G (NM_033012.4); short protein forms E27G.
Identifiers: ClinVar variation 193256 (VCV000193256.22), dbSNP rs200788562, ClinGen allele CA200444.

ClinVar aggregate classification (germline): Benign. Review status: criteria provided, multiple submitters, no conflicts (2 of 4 stars). 5 submissions from 5 submitters: Benign (5). Last evaluated 2026-01-30.

Conditions:
Disorder of bone. Also called: Rare bone disease related to a common gene or pathway defect; Bone disease; Bone disorder. Identifiers: Orphanet 364803, MedGen C0005940, MONDO:0005381.
Autosomal recessive osteopetrosis 2. Also called: OSTEOPETROSIS, MILD AUTOSOMAL RECESSIVE FORM. Identifiers: Orphanet 667, MedGen C1850126, MONDO:0009816, OMIM 259710.

Allele frequency attached by ClinVar (database versions not stated): ESP Exome Variant Server 0.00105; gnomAD 0.00262 and 0.00318; TOPMed 0.00262; 1000 Genomes Project 0.00399; 1000 Genomes Project 30x 0.00484; gnomAD exomes 0.00523; ExAC 0.01301.
gnomAD v4.1: 7,160 of 1,546,982 alleles (0.46%); highest among the groups gnomAD compares: South Asian, 1.6%; 31 homozygotes.

Submissions (5):

Labcorp Genetics (formerly Invitae), Labcorp
Classification: Benign. Last evaluated: 2026-01-30. Review status: criteria provided, single submitter. Criteria: Invitae Variant Classification Sherloc (09022015). Collection method: clinical testing. Allele origin: germline.

Genome Diagnostics Laboratory, The Hospital for Sick Children
Classification: Benign for Disorder of bone. Last evaluated: 2018-11-14. Review status: criteria provided, single submitter. Criteria: ACMG Guidelines, 2015. Collection method: clinical testing. Allele origin: germline. Affected: yes.
Comment: This missense variant is classified as Benign (ACMG criteria - BS1, BS2, BP6)

Illumina Laboratory Services, Illumina
Classification: Benign for Autosomal recessive osteopetrosis 2. Last evaluated: 2018-01-13. Review status: criteria provided, single submitter. Criteria: ICSL Variant Classification Criteria 13 December 2019. Collection method: clinical testing. Allele origin: germline.
Comment: This variant was observed in the ICSL laboratory as part of a predisposition screen in an ostensibly healthy population. It had not been previously curated by ICSL or reported in the Human Gene Mutation Database (HGMD: prior to June 1st, 2018), and was therefore a candidate for classification through an automated scoring system. Utilizing variant allele frequency, disease prevalence and penetrance estimates, and inheritance mode, an automated score was calculated to assess if this variant is too frequent to cause the disease. Based on the score and internal cut-off values, a variant classified as benign is not then subjected to further curation. The score for this variant resulted in a classification of benign for this disease.

Eurofins Ntd Llc (ga)
Classification: Benign. Last evaluated: 2014-12-04. Review status: criteria provided, single submitter. Criteria: EGL Classification Definitions 2015. Collection method: clinical testing. Allele origin: germline. Observed: 1 variant allele, 1 heterozygote.

Breakthrough Genomics
Classification: Benign. Review status: criteria provided, single submitter. Criteria: ACMG Guidelines, 2015. Collection method: not provided. Allele origin: germline. Inheritance: Autosomal recessive inheritance. Affected: yes.